The following is an entry in ClinVar:

NM_003070.5(SMARCA2):c.750A>G (p.Gln250=)

Gene: SMARCA2 (SWI/SNF related BAF chromatin remodeling complex subunit ATPase 2; plus strand). Cytogenetic location: 9p24.3.
Variant type: single nucleotide variant.
Coding change: c.750A>G on transcript NM_003070.5 (MANE Select); coding-DNA position 750, A replaced by G.
Protein change: p.Gln250=; no amino-acid change (glutamine 250 retained).
Molecular consequence: synonymous variant.
Genome position (GRCh38, 1-based): chr9:2,039,860, A>G. VCF-style: chr9-2039860-A-G. GRCh37 (hg19) VCF-style: chr9-2039860-A-G.
Other names: c.750A>G, p.Gln250= (NM_001289396.2, NM_001289397.2, NM_139045.4).
Identifiers: ClinVar variation 366203 (VCV000366203.25), dbSNP rs62639302, ClinGen allele CA4962991.

ClinVar aggregate classification (germline): Benign. Review status: criteria provided, multiple submitters, no conflicts (2 of 4 stars). 7 submissions from 7 submitters: Benign (6). 1 of the submissions does not count toward it. Last evaluated 2025-03-17.

Conditions:
SMARCA2-related disorder. Also called: SMARCA2-related condition.
Inborn genetic diseases. Identifiers: MedGen C0950123, MeSH D030342.
Nicolaides-Baraitser syndrome (NCBRS). Also called: SMARCA2-Related Nicolaides-Baraitser Syndrome; Intellectual disability-sparse hair-brachydactyly syndrome. Identifiers: Orphanet 3051, MedGen C1303073, MONDO:0011053, OMIM 601358.

Allele frequency attached by ClinVar (database versions not stated): TOPMed 0.00825; 1000 Genomes Project 0.01178; 1000 Genomes Project 30x 0.01171; ESP Exome Variant Server 0.00877.
gnomAD v4.1: 2,319 of 1,613,712 alleles (0.14%); highest among the groups gnomAD compares: African/African-American, 2.7%; 27 homozygotes.

Submissions (7):

ARUP Laboratories, Molecular Genetics and Genomics, ARUP Laboratories
Classification: Benign. Last evaluated: 2025-03-17. Review status: criteria provided, single submitter. Criteria: ARUP Molecular Germline Variant Investigation Process 2024. Collection method: clinical testing. Allele origin: germline.

Labcorp Genetics (formerly Invitae), Labcorp
Classification: Benign. Last evaluated: 2024-11-15. Review status: criteria provided, single submitter. Criteria: Invitae Variant Classification Sherloc (09022015). Collection method: clinical testing. Allele origin: germline.

GeneDx
Classification: Benign. Last evaluated: 2021-05-13. Review status: criteria provided, single submitter. Criteria: GeneDx Variant Classification Process June 2021. Collection method: clinical testing. Allele origin: germline. Affected: yes.

Illumina Laboratory Services, Illumina
Classification: Benign for Nicolaides-Baraitser syndrome. Last evaluated: 2018-01-13. Review status: criteria provided, single submitter. Criteria: ICSL Variant Classification Criteria 13 December 2019. Collection method: clinical testing. Allele origin: germline.
Comment: This variant was observed in the ICSL laboratory as part of a predisposition screen in an ostensibly healthy population. It had not been previously curated by ICSL or reported in the Human Gene Mutation Database (HGMD: prior to June 1st, 2018), and was therefore a candidate for classification through an automated scoring system. Utilizing variant allele frequency, disease prevalence and penetrance estimates, and inheritance mode, an automated score was calculated to assess if this variant is too frequent to cause the disease. Based on the score and internal cut-off values, a variant classified as benign is not then subjected to further curation. The score for this variant resulted in a classification of benign for this disease.

Ambry Genetics
Classification: Benign for Inborn genetic diseases. Last evaluated: 2016-09-30. Review status: criteria provided, single submitter. Criteria: Ambry Variant Classification Scheme 2023. Collection method: clinical testing. Allele origin: germline.

Breakthrough Genomics
Classification: Benign. Review status: criteria provided, single submitter. Criteria: ACMG Guidelines, 2015. Collection method: not provided. Allele origin: germline. Inheritance: Autosomal dominant inheritance. Affected: yes.

PreventionGenetics, part of Exact Sciences
Classification: Benign for SMARCA2-related condition. Last evaluated: 2019-08-14. Review status: no assertion criteria provided. Collection method: clinical testing. Allele origin: germline. Not counted in ClinVar's aggregate classification.
Comment: This variant is classified as benign based on ACMG/AMP sequence variant interpretation guidelines (Richards et al. 2015 PMID: 25741868, with internal and published modifications).